The following is an entry in ClinVar:

ClinVar aggregate classification (germline): Uncertain significance. Review status: criteria provided, multiple submitters, no conflicts (2 of 4 stars). 2 submissions from 2 submitters: Uncertain significance (2). Last evaluated 2018-06-11.

Conditions:
Catecholaminergic polymorphic ventricular tachycardia 1. Also called: VENTRICULAR TACHYCARDIA, STRESS-INDUCED POLYMORPHIC 1; RYR2-Related Catecholaminergic Polymorphic Ventricular Tachycardia; VENTRICULAR TACHYCARDIA, CATECHOLAMINERGIC POLYMORPHIC, 1, WITH OR WITHOUT ATRIAL DYSFUNCTION AND/OR DILATED CARDIOMYOPATHY. Identifiers: Orphanet 3286, MedGen C1631597, MONDO:0011484, OMIM 604772.

Submissions (2):

Labcorp Genetics (formerly Invitae), Labcorp
Classification: Uncertain significance for Catecholaminergic polymorphic ventricular tachycardia 1. Last evaluated: 2018-06-11. Review status: criteria provided, single submitter. Criteria: Invitae Variant Classification Sherloc (09022015). Collection method: clinical testing. Allele origin: germline.
Comment: In summary, the available evidence is currently insufficient to determine the role of this variant in disease. Therefore, it has been classified as a Variant of Uncertain Significance. Algorithms developed to predict the effect of missense changes on protein structure and function are either unavailable or do not agree on the potential impact of this missense change (SIFT: "Deleterious"; PolyPhen-2: "Benign"; Align-GVGD: "Class C15"). This sequence change replaces phenylalanine with tyrosine at codon 3376 of the RYR2 protein (p.Phe3376Tyr). The phenylalanine residue is highly conserved and there is a small physicochemical difference between phenylalanine and tyrosine. This variant is not present in population databases (ExAC no frequency). This variant has not been reported in the literature in individuals with RYR2-related disease. ClinVar contains an entry for this variant (Variation ID: 229206).

Laboratory for Molecular Medicine, Mass General Brigham Personalized Medicine
Classification: Uncertain significance. Last evaluated: 2018-05-10. Review status: criteria provided, single submitter. Criteria: LMM Criteria. Collection method: clinical testing. Allele origin: germline. Observed: 1 variant allele.
Comment: proposed classification - variant undergoing re-assessment, contact laboratory

NM_001035.3(RYR2):c.10127T>A (p.Phe3376Tyr)

Gene: RYR2 (ryanodine receptor 2; plus strand). Cytogenetic location: 1q43.
Variant type: single nucleotide variant.
Coding change: c.10127T>A on transcript NM_001035.3 (MANE Select); coding-DNA position 10127, T replaced by A.
Protein change: p.Phe3376Tyr; replaces phenylalanine 3376 with tyrosine.
Molecular consequence: missense variant.
Genome position (GRCh38, 1-based): chr1:237,709,083, T>A. VCF-style: chr1-237709083-T-A. GRCh37 (hg19) VCF-style: chr1-237872383-T-A.
Other names: short protein forms F3376Y.
Identifiers: ClinVar variation 229206 (VCV000229206.14), dbSNP rs876657983, ClinGen allele CA10576410.
Genomic context (GRCh38, chr1:237,709,083, plus strand): 5'-TAGATGAGTTCACCACACTGGCCAGAGATCTCTATGCCTTCTACCCTCTCTTGATTAGAT[T>A]TGTGGACTATAACAGGTATGATCAAAAGTAATTTAGTAATTTCTCCAATTCGGTCATAAC-3'
Protein context (NP_001026.2, residues 3366-3386): LYAFYPLLIR[Phe3376Tyr]VDYNRAKWLK